The following is an entry in ClinVar:

ClinVar aggregate classification (germline): Uncertain significance (1 of 4 stars; one submission).

Conditions:
Epidermolysis bullosa simplex 3, localized or generalized intermediate, with BP230 deficiency (EBS3). Also called: Epidermolysis bullosa simplex due to BP230 deficiency; Epidermolysis bullosa simplex, autosomal recessive 2. Identifiers: Orphanet 412181, MedGen C3809470, MONDO:0014180, OMIM 615425.
Hereditary sensory and autonomic neuropathy type 6. Also called: HSAN VI; Neuropathy, hereditary sensory and autonomic, type VI. Identifiers: Orphanet 314381, MedGen C3539003, MONDO:0013839, OMIM 614653.

Submission:

Labcorp Genetics (formerly Invitae), Labcorp
Classification: Uncertain significance for Epidermolysis bullosa simplex 3, localized or generalized intermediate, with BP230 deficiency; Hereditary sensory and autonomic neuropathy type 6. Last evaluated: 2021-02-02. Review status: criteria provided, single submitter. Criteria: Invitae Variant Classification Sherloc (09022015). Collection method: clinical testing. Allele origin: germline.
Comment: This variant is not present in population databases (ExAC no frequency). This sequence change replaces glutamate with glycine at codon 2977 of the DST protein (p.Glu2977Gly). The DST gene has multiple clinically relevant transcripts. This variant occurs in alternate transcript NM_015548.4, and corresponds to NM_001723.5:c.*80253A>G in the primary transcript. This variant has not been reported in the literature in individuals with DST-related conditions. Experimental studies and prediction algorithms are not available or were not evaluated, and the functional significance of this variant is currently unknown. In summary, the available evidence is currently insufficient to determine the role of this variant in disease. Therefore, it has been classified as a Variant of Uncertain Significance.

NM_001374736.1(DST):c.16799A>G (p.Glu5600Gly)

Gene: DST (dystonin; minus strand). Cytogenetic location: 6p12.1.
Variant type: single nucleotide variant.
Coding change: c.16799A>G on transcript NM_001374736.1 (MANE Select); coding-DNA position 16799, A replaced by G.
Protein change: p.Glu5600Gly; replaces glutamic acid 5600 with glycine.
Molecular consequence: missense variant.
Genome position (GRCh38, 1-based): chr6:56,535,264, T>C on the plus strand (A>G on the coding strand, the complement: DST is on the minus strand). VCF-style: chr6-56535264-T-C. GRCh37 (hg19) VCF-style: chr6-56400062-T-C.
Other names: c.10442A>G, p.Glu3481Gly (NM_001144769.5); c.10028A>G, p.Glu3343Gly (NM_001144770.2); c.16799A>G, p.Glu5600Gly (NM_001374722.1); c.16166A>G, p.Glu5389Gly (NM_001374729.1); c.9908A>G, p.Glu3303Gly (NM_001374730.1, NM_001386100.1, NM_183380.4); c.16826A>G, p.Glu5609Gly (NM_001374734.1); c.8930A>G, p.Glu2977Gly (NM_015548.5); short protein forms E3343G, E3481G, E5600G, E3303G, E5389G, E2977G, E5609G.
Identifiers: ClinVar variation 1356426 (VCV001356426.6), dbSNP rs2152521864, ClinGen allele CA364511082.